The following continues an entry in ClinVar:

NM_006767.4(LZTR1):c.1234C>T (p.Arg412Cys)

Gene: LZTR1. ClinVar aggregate classification (germline): Pathogenic. Pathogenic (1).

Submissions 9 to 20 of 20:

Women's Health and Genetics/Laboratory Corporation of America, LabCorp
Classification: Pathogenic for RASopathy. Last evaluated: 2025-01-23. Review status: criteria provided, single submitter. Criteria: LabCorp Variant Classification Summary - May 2015. Collection method: clinical testing. Allele origin: germline. Not counted in ClinVar's aggregate classification.
Comment: Variant summary: LZTR1 c.1234C>T (p.Arg412Cys) results in a non-conservative amino acid change located in the Kelch VI motif of the encoded protein sequence. Four of five in-silico tools predict a damaging effect of the variant on protein function. The variant allele was found at a frequency of 1.9e-06 in 1607750 control chromosomes. The available data on variant occurrences in the general population are insufficient to allow any conclusion about variant significance. c.1234C>T has been reported in the literature as a de-novo variant in at-least one individual with clinical features of Noonan syndrome (Dateki_Eposter Unpublished_2018, Dempsey_2021). Another occurrence in an exome sequencing cohort report lists this variant as reportedly de-novo while explicitly indicating that maternity and paternity were not confirmed (Quaio_2020). It was also observed as a maternally inherited variant in one index case within a cohort of 127 consecutive unexplained cases of NIHF that were defined by the presence of fetal ascites, pleural or pericardial effusions, skin edema, cystic hygroma, increased nuchal translucency, or a combination of these conditions (Sparks_2020). A report of its occurrence in a cohort with clinical and/or genetic diagnosis of a RASopathy syndrome (Boleti_2024) provides no genotype/zygosity/inheritance/FH/clinical/co-segregation. . These data indicate that the variant is very likely to be associated with disease. To our knowledge, no experimental evidence demonstrating an impact on protein function has been reported. The following publications have been ascertained in the context of this evaluation (PMID: 38217456, 32981126, 25303977, 33258288, 33027564, 39062695). ClinVar contains an entry for this variant (Variation ID: 373089). Based on the evidence outlined above, the variant was classified as pathogenic.

3billion
Classification: Uncertain significance for Noonan syndrome 10. Last evaluated: 2024-03-14. Review status: criteria provided, single submitter. Criteria: ACMG Guidelines, 2015. Collection method: clinical testing. Allele origin: germline. Affected: yes. Not counted in ClinVar's aggregate classification.
Comment: The variant is observed at an extremely low frequency in the gnomAD v2.1.1 dataset (total allele frequency: <0.001%). Predicted Consequence/Location: Missense variant Damaging effect on gene or gene product predicted by in silico programs is uncertain [REVEL: 0.35 (damaging >=0.6, benign <0.4), 3Cnet: 0.23 (damaging >=0.6, benign <0.15)]. Same nucleotide change resulting in same amino acid change has been previously reported as pathogenic/likely pathogenic with strong evidence (ClinVar ID: VCV000373089 /PMID: 32981126). A different missense change at the same codon (p.Arg412His) has been reported to be associated with LZTR1 related disorder (ClinVar ID: VCV001517849). However the evidence of pathogenicity is insufficient at this time. Therefore, this variant is classified as VUS according to the recommendation of ACMG/AMP guideline.

Clinical Genetics Laboratory, Skane University Hospital Lund
Classification: Likely pathogenic. Last evaluated: 2023-12-15. Review status: criteria provided, single submitter. Criteria: ACMG Guidelines, 2015. Collection method: clinical testing. Allele origin: germline. Affected: yes. Not counted in ClinVar's aggregate classification.

Blueprint Genetics
Classification: Pathogenic for LZTR1-related disorders. Last evaluated: 2023-10-16. Review status: criteria provided, single submitter. Criteria: ACMG Guidelines, 2015. Collection method: clinical testing. Allele origin: germline. Affected: yes. Observed: 3 variant alleles. Not counted in ClinVar's aggregate classification.

Division of Human Genetics, National Health Laboratory Service/University of the Witwatersrand
Classification: Likely pathogenic for RASopathy. Last evaluated: 2023-07-01. Review status: criteria provided, single submitter. Criteria: ACMG Guidelines, 2015. Collection method: research. Allele origin: germline. Affected: yes. Not counted in ClinVar's aggregate classification.

ARUP Laboratories, Molecular Genetics and Genomics, ARUP Laboratories
Classification: Uncertain significance. Last evaluated: 2023-05-28. Review status: criteria provided, single submitter. Criteria: ARUP Molecular Germline Variant Investigation Process 2024. Collection method: clinical testing. Allele origin: germline. Not counted in ClinVar's aggregate classification.
Comment: The LZTR1 c.1234C>T; p.Arg412Cys variant (rs747430075) is reported in the literature in two individuals with symptoms of Noonan syndrome (Dempsey 2021, Quaio 2020). This variant is also reported in ClinVar (Variation ID: 373089). This variant is only observed on one allele in the Genome Aggregation Database, indicating it is not a common polymorphism, but is considered a low confidence variant in the database. Computational analyses are uncertain whether this variant is neutral or deleterious (REVEL: 0.351). Due to limited information, the clinical significance of this variant is uncertain at this time. References: Dempsey E et al. A report on the impact of rapid prenatal exome sequencing on the clinical management of 52 ongoing pregnancies: a retrospective review. BJOG. 2021 May;128(6):1012-1019. PMID: 32981126. Quaio CRDC et al. Diagnostic power and clinical impact of exome sequencing in a cohort of 500 patients with rare diseases. Am J Med Genet C Semin Med Genet. 2020 Dec;184(4):955-964. PMID: 33258288.

Ambry Genetics
Classification: Pathogenic for Cardiovascular phenotype; Hereditary cancer-predisposing syndrome. Last evaluated: 2023-04-26. Review status: criteria provided, single submitter. Criteria: Ambry Variant Classification Scheme 2023. Collection method: clinical testing. Allele origin: germline. Not counted in ClinVar's aggregate classification.
Comment: The p.R412C pathogenic mutation (also known as c.1234C>T), located in coding exon 11 of the LZTR1 gene, results from a C to T substitution at nucleotide position 1234. The arginine at codon 412 is replaced by cysteine, an amino acid with highly dissimilar properties. This mutation has been detected in multiple unrelated individuals with features of Noonan syndrome; it has been determined to be the result of a de novo mutation or germline mosaicism in multiple families (Quaio CRDC et al. Am J Med Genet C Semin Med Genet, 2020 Dec;184:955-964; Dempsey E et al. BJOG, 2021 May;128:1012-1019; personal communication with GeneDx, Invitae, and the Hospital for Sick Kids). Based on internal structural analysis, the variant disrupts the Kelch VI motif of the LZTR1 protein, which is important for its regulation of RAS proteins (Nacak TG et al. J Biol Chem, 2006 Feb;281:5065-71; Steklov M et al. Science, 2018 Dec;362:1177-1182; Frattini V et al. Nat Genet, 2013 Oct;45:1141-9; Paladino A et al. J Chem Inf Model, 2021 Apr;61:1875-1888). This amino acid position is highly conserved in available vertebrate species. In addition, the in silico prediction for this alteration is inconclusive. Based on the supporting evidence, this variant is pathogenic for autosomal dominant Noonan syndrome; however, the association of this alteration with an increased risk of LZTR1-related schwannomatosis (SWN) is unknown.

Genome Diagnostics Laboratory, The Hospital for Sick Children
Classification: Pathogenic for Noonan syndrome and Noonan-related syndrome. Last evaluated: 2021-03-29. Review status: criteria provided, single submitter. Criteria: ACMG Guidelines, 2015. Collection method: clinical testing. Allele origin: germline. Affected: yes. Not counted in ClinVar's aggregate classification.

Revvity Omics, Revvity
Classification: Uncertain significance. Last evaluated: 2020-12-30. Review status: criteria provided, single submitter. Criteria: ACMG Guidelines, 2015. Collection method: clinical testing. Allele origin: germline. Not counted in ClinVar's aggregate classification.

Genomic Medicine Lab, University of California San Francisco
Classification: Uncertain significance for Non-immune hydrops fetalis. Last evaluated: 2020-04-09. Review status: criteria provided, single submitter. Criteria: ACMG Guidelines, 2015. Collection method: clinical testing. Allele origin: maternal. Inheritance: Autosomal dominant inheritance. Affected: yes. Study: CSER-P3EGS. Not counted in ClinVar's aggregate classification.

Fulgent Genetics
Classification: Uncertain significance for LZTR1-related schwannomatosis; Noonan syndrome 10. Last evaluated: 2018-10-31. Review status: criteria provided, single submitter. Criteria: ACMG Guidelines, 2015. Collection method: clinical testing. Allele origin: unknown. Not counted in ClinVar's aggregate classification.

GeneDx
Classification: Uncertain significance. Last evaluated: 2016-11-07. Review status: criteria provided, single submitter. Criteria: GeneDx Variant Classification (06012015). Collection method: clinical testing. Allele origin: germline. Affected: yes. Not counted in ClinVar's aggregate classification.
Comment: The R412C variant has not been published as a pathogenic variant, nor has it been reported as a benign variant. The R412C variant was not observed in approximately 6,400 individuals of European and African American ancestry in the NHLBI Exome Sequencing Project, indicating it is not a common benign variant in these populations. It is a non-conservative amino acid substitution, which is likely to impact secondary protein structure as these residues differ in polarity, charge, size and/or other properties. This substitution occurs at a position that is conserved across species and in silico analysis predicts this variant is probably damaging to the protein structure/function. However, no missense variants in nearby residues have been reported in the Human Gene Mutation Database (Stenson et al., 2014).

Literature cited by the submitters: PubMed 32981126 (cited by 4 submitters); PubMed 33258288 (cited by 3 submitters); PubMed 0089 (cited by Labcorp Genetics (formerly Invitae), Labcorp); PubMed 2 (cited by Labcorp Genetics (formerly Invitae), Labcorp); PubMed 265 (cited by Labcorp Genetics (formerly Invitae), Labcorp); PubMed 33027564 (cited by Mayo Clinic Laboratories, Mayo Clinic and Women's Health and Genetics/Laboratory Corporation of America, LabCorp); PubMed 33057194 (cited by Mayo Clinic Laboratories, Mayo Clinic); PubMed 33792302 (cited by Mayo Clinic Laboratories, Mayo Clinic); PubMed 35982159 (cited by Mayo Clinic Laboratories, Mayo Clinic); PubMed 37143668 (cited by Mayo Clinic Laboratories, Mayo Clinic); PubMed 37777071 (cited by Mayo Clinic Laboratories, Mayo Clinic); PubMed 38217456 (cited by Mayo Clinic Laboratories, Mayo Clinic and Women's Health and Genetics/Laboratory Corporation of America, LabCorp); PubMed 39039281 (cited by Mayo Clinic Laboratories, Mayo Clinic); PubMed 39352760 (cited by Mayo Clinic Laboratories, Mayo Clinic); PubMed 25303977 (cited by Women's Health and Genetics/Laboratory Corporation of America, LabCorp); PubMed 39062695 (cited by Women's Health and Genetics/Laboratory Corporation of America, LabCorp).